The following is an entry in ClinVar:

NM_002907.4(RECQL):c.376C>T (p.Pro126Ser)

Gene: RECQL (RecQ like helicase; minus strand). Cytogenetic location: 12p12.1.
Variant type: single nucleotide variant.
Coding change: c.376C>T on transcript NM_002907.4 (MANE Select); coding-DNA position 376, C replaced by T.
Protein change: p.Pro126Ser; replaces proline 126 with serine.
Molecular consequence: missense variant.
Genome position (GRCh38, 1-based): chr12:21,490,217, G>A on the plus strand (C>T on the coding strand, the complement: RECQL is on the minus strand). VCF-style: chr12-21490217-G-A. GRCh37 (hg19) VCF-style: chr12-21643151-G-A.
Other names: c.376C>T, p.Pro126Ser (NM_032941.3); short protein forms P126S.
Identifiers: ClinVar variation 942124 (VCV000942124.15), dbSNP rs376895551, ClinGen allele CA6479121.
Genomic context (GRCh38, chr12:21,490,217, plus strand): 5'-AAAGCACTTCTTCAACTCAAAATTAATTTTTTTAGTACATACCATCTGAACATAATGCTG[G>A]TAACTGGTAACATAAGCTCTTTCCACCTCCTGTAGGCATAACAAGAAATACCTCCTTTCC-3'
Protein context (NP_002898.2, residues 116-136): GGGKSLCYQL[Pro126Ser]ALCSDGFTLV

ClinVar aggregate classification (germline): Uncertain significance. Review status: criteria provided, multiple submitters, no conflicts (2 of 4 stars). 3 submissions from 3 submitters: Uncertain significance (3). Last evaluated 2025-10-26.

Allele frequency attached by ClinVar (database versions not stated): gnomAD 0.00002 and 0.00003; gnomAD exomes 0.00002 and 0.00009; ExAC 0.00003; TOPMed 0.00003; ESP Exome Variant Server 0.00008.
gnomAD v4.1: 125 of 1,610,362 alleles (0.0078%); highest among the groups gnomAD compares: Non-Finnish European, 0.011%; no homozygotes.

Submissions (3):

Labcorp Genetics (formerly Invitae), Labcorp
Classification: Uncertain significance. Last evaluated: 2025-10-26. Review status: criteria provided, single submitter. Criteria: Invitae Variant Classification Sherloc (09022015). Collection method: clinical testing. Allele origin: germline.
Comment: This sequence change replaces proline, which is neutral and non-polar, with serine, which is neutral and polar, at codon 126 of the RECQL protein (p.Pro126Ser). This variant is present in population databases (rs376895551, gnomAD 0.006%). This variant has not been reported in the literature in individuals affected with RECQL-related conditions. ClinVar contains an entry for this variant (Variation ID: 942124). Invitae Evidence Modeling of protein sequence and biophysical properties (such as structural, functional, and spatial information, amino acid conservation, physicochemical variation, residue mobility, and thermodynamic stability) has been performed for this missense variant. However, the output from this modeling did not meet the statistical confidence thresholds required to predict the impact of this variant on RECQL protein function. In summary, the available evidence is currently insufficient to determine the role of this variant in disease. Therefore, it has been classified as a Variant of Uncertain Significance.

Ambry Genetics
Classification: Uncertain significance. Last evaluated: 2024-09-23. Review status: criteria provided, single submitter. Criteria: Ambry Variant Classification Scheme 2023. Collection method: clinical testing. Allele origin: germline.
Comment: The p.P126S variant (also known as c.376C>T), located in coding exon 3 of the RECQL gene, results from a C to T substitution at nucleotide position 376. The proline at codon 126 is replaced by serine, an amino acid with similar properties. This amino acid position is highly conserved in available vertebrate species. In addition, this alteration is predicted to be deleterious by in silico analysis. Since supporting evidence is limited at this time, the clinical significance of this alteration remains unclear.

GeneDx
Classification: Uncertain significance. Last evaluated: 2022-12-08. Review status: criteria provided, single submitter. Criteria: GeneDx Variant Classification Process June 2021. Collection method: clinical testing. Allele origin: germline. Affected: yes.
Comment: In silico analysis supports that this missense variant has a deleterious effect on protein structure/function; Has not been previously published as pathogenic or benign to our knowledge; This variant is associated with the following publications: (PMID: 19151156, 27248010)